The following is an entry in ClinVar:

NM_000135.4(FANCA):c.4047G>C (p.Arg1349Ser)

Genes: FANCA (FA complementation group A; minus strand), ZNF276 (zinc finger protein 276; plus strand). Cytogenetic location: 16q24.3.
Variant type: single nucleotide variant.
Coding change: c.4047G>C on transcript NM_000135.4 (MANE Select); coding-DNA position 4047, G replaced by C.
Protein change: p.Arg1349Ser; replaces arginine 1349 with serine.
Molecular consequence: missense variant. On other transcripts: 3 prime UTR variant (2), non-coding transcript variant (4).
Genome position (GRCh38, 1-based): chr16:89,739,253, C>G on the plus strand (G>C on the coding strand, the complement: FANCA is on the minus strand). VCF-style: chr16-89739253-C-G. GRCh37 (hg19) VCF-style: chr16-89805661-C-G.
Other names: c.4047G>C, p.Arg1349Ser (NM_001286167.3); c.*1007C>G (NM_001113525.2, NM_152287.4); short protein forms R1349S.
Identifiers: ClinVar variation 3848157 (VCV003848157.1).

ClinVar aggregate classification (germline): Uncertain significance (1 of 4 stars; one submission).

Conditions:
Inborn genetic diseases. Identifiers: MedGen C0950123, MeSH D030342.

gnomAD v4.1: 1 of 1,614,148 alleles (0.000062%); highest among the groups gnomAD compares: Non-Finnish European, 0.000085%; no homozygotes.

Submission:

Ambry Genetics
Classification: Uncertain significance for Inborn genetic diseases. Last evaluated: 2025-01-29. Review status: criteria provided, single submitter. Criteria: Ambry Variant Classification Scheme 2023. Collection method: clinical testing. Allele origin: germline.
Comment: The p.R1349S variant (also known as c.4047G>C), located in coding exon 41 of the FANCA gene, results from a G to C substitution at nucleotide position 4047. The arginine at codon 1349 is replaced by serine, an amino acid with dissimilar properties. This amino acid position is conserved. In addition, the in silico prediction for this alteration is inconclusive. Based on the available evidence, the clinical significance of this variant remains unclear.